The following is an entry in ClinVar:

ClinVar aggregate classification (germline): Uncertain significance (1 of 4 stars; one submission).

gnomAD v4.1: 2 of 1,610,296 alleles (0.00012%); no homozygotes.

Submission:

Ambry Genetics
Classification: Uncertain significance. Last evaluated: 2025-04-18. Review status: criteria provided, single submitter. Criteria: Ambry Variant Classification Scheme 2023. Collection method: clinical testing. Allele origin: germline.
Comment: The p.T286S variant (also known as c.857C>G), located in coding exon 9 of the FAM175A gene, results from a C to G substitution at nucleotide position 857. The threonine at codon 286 is replaced by serine, an amino acid with similar properties. This amino acid position is conserved. In addition, this alteration is predicted to be tolerated by in silico analysis. Based on the available evidence, the clinical significance of this variant remains unclear.

NM_139076.3(ABRAXAS1):c.857C>G (p.Thr286Ser)

Gene: ABRAXAS1 (abraxas 1, BRCA1 A complex subunit; minus strand). Cytogenetic location: 4q21.23.
Variant type: single nucleotide variant.
Coding change: c.857C>G on transcript NM_139076.3 (MANE Select); coding-DNA position 857, C replaced by G.
Protein change: p.Thr286Ser; replaces threonine 286 with serine.
Molecular consequence: missense variant.
Genome position (GRCh38, 1-based): chr4:83,462,842, G>C on the plus strand (C>G on the coding strand, the complement: ABRAXAS1 is on the minus strand). VCF-style: chr4-83462842-G-C. GRCh37 (hg19) VCF-style: chr4-84383995-G-C.
Other names: c.530C>G, p.Thr177Ser (NM_001345962.2); short protein forms T286S, T177S.
Identifiers: ClinVar variation 3994418 (VCV003994418.1).